The following is an entry in ClinVar:

NM_002397.5(MEF2C):c.440T>G (p.Ile147Ser)

Gene: MEF2C (myocyte enhancer factor 2C; minus strand). Cytogenetic location: 5q14.3.
Variant type: single nucleotide variant.
Coding change: c.440T>G on transcript NM_002397.5 (MANE Select); coding-DNA position 440, T replaced by G.
Protein change: p.Ile147Ser; replaces isoleucine 147 with serine.
Molecular consequence: missense variant.
Genome position (GRCh38, 1-based): chr5:88,752,006, A>C on the plus strand (T>G on the coding strand, the complement: MEF2C is on the minus strand). VCF-style: chr5-88752006-A-C. GRCh37 (hg19) VCF-style: chr5-88047823-A-C.
Other names: c.434T>G, p.Ile145Ser (NM_001131005.2, NM_001364343.2, NM_001364352.2); c.494T>G, p.Ile165Ser (NM_001193347.1, NM_001364338.2); c.296T>G, p.Ile99Ser (NM_001193348.1, NM_001193349.3, NM_001364332.2 and 3 more transcripts); c.440T>G, p.Ile147Ser (NM_001193350.2, NM_001308002.3, NM_001363581.2 and 18 more transcripts); c.62T>G, p.Ile21Ser (NM_001364353.2, NM_001364356.2); c.14T>G, p.Ile5Ser (NM_001364357.2); short protein forms I145S, I147S, I5S, I21S, I99S, I165S.
Identifiers: ClinVar variation 575969 (VCV000575969.13), dbSNP rs1366038563, ClinGen allele CA360423978.

ClinVar aggregate classification (germline): Uncertain significance. Review status: criteria provided, multiple submitters, no conflicts (2 of 4 stars). 3 submissions from 3 submitters: Uncertain significance (3). Last evaluated 2025-12-22.

Conditions:
Neurodevelopmental disorder with hypotonia, stereotypic hand movements, and impaired language. Also called: Intellectual disability, autosomal dominant 20. Identifiers: Orphanet 228384, Orphanet 664410, MedGen C3150700, MONDO:0013266, OMIM 613443.

Allele frequency attached by ClinVar (database versions not stated): gnomAD exomes below 0.00001 and 0.00001; TOPMed below 0.00001; gnomAD 0.00001.
gnomAD v4.1: 5 of 1,612,234 alleles (0.00031%); highest among the groups gnomAD compares: Non-Finnish European, 0.00042%; no homozygotes.

Submissions (3):

Labcorp Genetics (formerly Invitae), Labcorp
Classification: Uncertain significance for Neurodevelopmental disorder with hypotonia, stereotypic hand movements, and impaired language. Last evaluated: 2025-12-22. Review status: criteria provided, single submitter. Criteria: Invitae Variant Classification Sherloc (09022015). Collection method: clinical testing. Allele origin: germline.
Comment: This sequence change replaces isoleucine, which is neutral and non-polar, with serine, which is neutral and polar, at codon 147 of the MEF2C protein (p.Ile147Ser). This variant is present in population databases (no rsID available, gnomAD 0.002%). This variant has not been reported in the literature in individuals affected with MEF2C-related conditions. ClinVar contains an entry for this variant (Variation ID: 575969). Invitae Evidence Modeling of protein sequence and biophysical properties (such as structural, functional, and spatial information, amino acid conservation, physicochemical variation, residue mobility, and thermodynamic stability) indicates that this missense variant is not expected to disrupt MEF2C protein function with a negative predictive value of 95%. In summary, the available evidence is currently insufficient to determine the role of this variant in disease. Therefore, it has been classified as a Variant of Uncertain Significance.

Women's Health and Genetics/Laboratory Corporation of America, LabCorp
Classification: Uncertain significance. Last evaluated: 2025-05-22. Review status: criteria provided, single submitter. Criteria: LabCorp Variant Classification Summary - May 2015. Collection method: clinical testing. Allele origin: germline.
Comment: Variant summary: MEF2C c.440T>G (p.Ile147Ser) results in a non-conservative amino acid change in the encoded protein sequence. Algorithms developed to predict the effect of missense changes on protein structure and function are either unavailable or do not agree on the potential impact of this missense change. The variant allele was found at a frequency of 4e-06 in 247900 control chromosomes. The available data on variant occurrences in the general population are insufficient to allow any conclusion about variant significance. To our knowledge, no occurrence of c.440T>G in individuals affected with Intellectual Disability, Autosomal Dominant 20 and no experimental evidence demonstrating its impact on protein function have been reported. ClinVar contains an entry for this variant (Variation ID: 575969). Based on the evidence outlined above, the variant was classified as uncertain significance.

UNC Molecular Genetics  Laboratory, University of North Carolina at Chapel Hill
Classification: Uncertain significance for Neurodevelopmental disorder with hypotonia, stereotypic hand movements, and impaired language. Last evaluated: 2021-03-30. Review status: criteria provided, single submitter. Criteria: ACMG Guidelines, 2015. Collection method: research. Allele origin: unknown. Observed: 1 variant allele. Study: CSER_NCGENES_2.
Comment: The MEF2C c.440T>G p.(Ile147Ser) missense variant changes a single amino acid in the encoded protein from an isoleucine to a serine. To our knowledge, this variant has not been previously reported in affected individuals in the literature. This variant is present in gnomAD with a minor allele frequency of 0.0007% (2 alleles/279,302 alleles, 0 homozygotes). Computational predictions and conservation analyses provide conflicting results regarding impact to protein function. The available evidence indicates this is a variant of uncertain significance (VUS).